The following is an entry in ClinVar:

NM_001042492.3(NF1):c.6118del (p.Ser2040fs)

Gene: NF1 (neurofibromin 1; plus strand). Cytogenetic location: 17q11.2.
Variant type: Deletion.
Coding change: c.6118del on transcript NM_001042492.3 (MANE Select); coding-DNA position 6118, one base deleted (T; older notation c.6118delT).
Protein change: p.Ser2040fs; shifts the reading frame from serine 2040.
Molecular consequence: frameshift variant.
Genome position (GRCh38, 1-based): chr17:31,336,444, T deleted; the last of 2 consecutive T bases (chr17:31,336,443-31,336,444); deleting either gives the same sequence. VCF-style (leftmost placement, unchanged base first): chr17-31336442-CT-C. GRCh37 (hg19) VCF-style: chr17-29663460-CT-C.
Other names: c.6055delT (NM_000267.3); c.6055delT, p.Ser2019Leufs (NM_000267.4); short protein forms S2019fs, S2040fs.
Identifiers: ClinVar variation 4028238 (VCV004028238.1).

ClinVar aggregate classification (germline): Pathogenic (1 of 4 stars; one submission).

Conditions:
Cardiovascular phenotype. Identifiers: MedGen CN230736.
Hereditary cancer-predisposing syndrome. Also called: Tumor predisposition; Hereditary neoplastic syndrome; Neoplastic Syndromes, Hereditary; Hereditary Cancer Syndrome. Identifiers: Orphanet 140162, MedGen C0027672, MeSH D009386, MONDO:0015356.

Submission:

Ambry Genetics
Classification: Pathogenic for Cardiovascular phenotype; Hereditary cancer-predisposing syndrome. Last evaluated: 2025-05-28. Review status: criteria provided, single submitter. Criteria: Ambry Variant Classification Scheme 2023. Collection method: clinical testing. Allele origin: germline.
Comment: The c.6055delT pathogenic mutation, located in coding exon 40 of the NF1 gene, results from a deletion of one nucleotide at nucleotide position 6055, causing a translational frameshift with a predicted alternate stop codon (p.S2019Lfs*4). This variant is considered to be rare based on population cohorts in the Genome Aggregation Database (gnomAD). This alteration is expected to result in loss of function by premature protein truncation or nonsense-mediated mRNA decay. As such, this alteration is interpreted as a disease-causing mutation.